The following is an entry in ClinVar:

ClinVar aggregate classification (germline): Uncertain significance (1 of 4 stars; one submission).

Submission:

Labcorp Genetics (formerly Invitae), Labcorp
Classification: Uncertain significance. Last evaluated: 2021-08-22. Review status: criteria provided, single submitter. Criteria: Invitae Variant Classification Sherloc (09022015). Collection method: clinical testing. Allele origin: germline.
Comment: This sequence change replaces arginine with leucine at codon 315 of the COL4A1 protein (p.Arg315Leu). The arginine residue is moderately conserved and there is a moderate physicochemical difference between arginine and leucine. In summary, the available evidence is currently insufficient to determine the role of this variant in disease. Therefore, it has been classified as a Variant of Uncertain Significance. Algorithms developed to predict the effect of missense changes on protein structure and function are either unavailable or do not agree on the potential impact of this missense change (SIFT: "Tolerated"; PolyPhen-2: "Not Available"; Align-GVGD: "Class C0"). This variant has not been reported in the literature in individuals affected with COL4A1-related conditions. This variant is present in population databases (rs768184025, ExAC 0.01%).

NM_001845.6(COL4A1):c.944G>T (p.Arg315Leu)

Gene: COL4A1 (collagen type IV alpha 1 chain; minus strand). Cytogenetic location: 13q34.
Variant type: single nucleotide variant.
Coding change: c.944G>T on transcript NM_001845.6 (MANE Select); coding-DNA position 944, G replaced by T.
Protein change: p.Arg315Leu; replaces arginine 315 with leucine.
Molecular consequence: missense variant.
Genome position (GRCh38, 1-based): chr13:110,205,366, C>A on the plus strand (G>T on the coding strand, the complement: COL4A1 is on the minus strand). VCF-style: chr13-110205366-C-A. GRCh37 (hg19) VCF-style: chr13-110857713-C-A.
Other names: c.944G>T, p.Arg315Leu (NM_001303110.2); short protein forms R315L.
Identifiers: ClinVar variation 1397793 (VCV001397793.6), dbSNP rs768184025, ClinGen allele CA7048214.